The following is an entry in ClinVar:

ClinVar aggregate classification (germline): Uncertain significance (1 of 4 stars; one submission).

Conditions:
TTC8-related disorder. Also called: TTC8-related condition.

Submission:

PreventionGenetics, part of Exact Sciences
Classification: Uncertain significance for TTC8-related condition. Last evaluated: 2024-11-04. Review status: criteria provided, single submitter. Criteria: ACMG Guidelines, 2015. Collection method: clinical testing. Allele origin: germline.
Comment: The TTC8 c.2T>G variant is predicted to disrupt the translation initiation site (Start Loss). To our knowledge, this variant, or other start-loss variants, have not been reported in the literature in patients with TTC8-related disorders. This variant is reported in 0.0017% of alleles in individuals of European (non-Finnish) descent in gnomAD. Of note, an additional methionine residue resides four amino acids downstream. At this time, the clinical significance of this variant is uncertain due to the absence of conclusive functional and genetic evidence.

NM_144596.4(TTC8):c.2T>G (p.Met1Arg)

Gene: TTC8 (tetratricopeptide repeat domain 8; plus strand). Cytogenetic location: 14q31.3.
Variant type: single nucleotide variant.
Coding change: c.2T>G on transcript NM_144596.4 (MANE Select); coding-DNA position 2, T replaced by G.
Protein change: p.Met1Arg; changes the start codon (methionine 1).
Molecular consequence: missense variant, initiator codon variant. On other transcripts: 5 prime UTR variant (2), non-coding transcript variant (1).
Genome position (GRCh38, 1-based): chr14:88,824,709, T>G. VCF-style: chr14-88824709-T-G. GRCh37 (hg19) VCF-style: chr14-89291053-T-G.
Other names: c.2T>G, p.Met1Arg (NM_001288781.1, NM_001366535.2, NM_001366536.2 and 2 more transcripts); c.-561T>G (NM_001288782.1); c.-656T>G (NM_001288783.1); short protein forms M1R.
Identifiers: ClinVar variation 3350923 (VCV003350923.2).